The following is an entry in ClinVar:

ClinVar aggregate classification (germline): Uncertain significance (1 of 4 stars; one submission).

Conditions:
Dyskeratosis congenita. Identifiers: Orphanet 1775, MedGen C0265965, MONDO:0015780.

gnomAD v4.1: 5 of 1,614,068 alleles (0.00031%); highest among the groups gnomAD compares: Non-Finnish European, 0.00042%; no homozygotes.

Submission:

Labcorp Genetics (formerly Invitae), Labcorp
Classification: Uncertain significance for Dyskeratosis congenita. Last evaluated: 2025-08-31. Review status: criteria provided, single submitter. Criteria: Invitae Variant Classification Sherloc (09022015). Collection method: clinical testing. Allele origin: germline.
Comment: This sequence change replaces valine, which is neutral and non-polar, with isoleucine, which is neutral and non-polar, at codon 393 of the TINF2 protein (p.Val393Ile). This variant is present in population databases (no rsID available, gnomAD 0.0009%). This variant has not been reported in the literature in individuals affected with TINF2-related conditions. ClinVar contains an entry for this variant (Variation ID: 3637620). An algorithm developed to predict the effect of missense changes on protein structure and function (PolyPhen-2) suggests that this variant is likely to be tolerated. In summary, the available evidence is currently insufficient to determine the role of this variant in disease. Therefore, it has been classified as a Variant of Uncertain Significance.

NM_001099274.3(TINF2):c.1177G>A (p.Val393Ile)

Gene: TINF2 (TERF1 interacting nuclear factor 2; minus strand). Cytogenetic location: 14q12.
Variant type: single nucleotide variant.
Coding change: c.1177G>A on transcript NM_001099274.3 (MANE Select); coding-DNA position 1177, G replaced by A.
Protein change: p.Val393Ile; replaces valine 393 with isoleucine.
Molecular consequence: missense variant. On other transcripts: 3 prime UTR variant (1).
Genome position (GRCh38, 1-based): chr14:24,240,108, C>T on the plus strand (G>A on the coding strand, the complement: TINF2 is on the minus strand). VCF-style: chr14-24240108-C-T. GRCh37 (hg19) VCF-style: chr14-24709314-C-T.
Other names: c.1072G>A, p.Val358Ile (NM_001363668.2); c.*307G>A (NM_012461.3); short protein forms V358I, V393I.
Identifiers: ClinVar variation 3637620 (VCV003637620.2).